The following is an entry in ClinVar:

ClinVar aggregate classification (germline): Uncertain significance (1 of 4 stars; one submission).

Conditions:
Immunodeficiency, common variable, 7. Identifiers: Orphanet 1572, Orphanet 696894, MedGen C3542922, MONDO:0013862, OMIM 614699.

Allele frequency attached by ClinVar (database versions not stated): gnomAD exomes below 0.00001.
gnomAD v4.1: 3 of 1,614,014 alleles (0.00019%); highest among the groups gnomAD compares: Non-Finnish European, 0.00025%; no homozygotes.

Submission:

Labcorp Genetics (formerly Invitae), Labcorp
Classification: Uncertain significance for Immunodeficiency, common variable, 7. Last evaluated: 2021-06-19. Review status: criteria provided, single submitter. Criteria: Invitae Variant Classification Sherloc (09022015). Collection method: clinical testing. Allele origin: germline.
Comment: In summary, the available evidence is currently insufficient to determine the role of this variant in disease. Therefore, it has been classified as a Variant of Uncertain Significance. Algorithms developed to predict the effect of sequence changes on RNA splicing suggest that this variant may create or strengthen a splice site, but this prediction has not been confirmed by published transcriptional studies. Algorithms developed to predict the effect of missense changes on protein structure and function are either unavailable or do not agree on the potential impact of this missense change (SIFT: "Tolerated"; PolyPhen-2: "Probably Damaging"; Align-GVGD: "Class C0"). This variant has not been reported in the literature in individuals with CR2-related conditions. This variant is not present in population databases (ExAC no frequency). This sequence change replaces asparagine with serine at codon 623 of the CR2 protein (p.Asn623Ser). The asparagine residue is highly conserved and there is a small physicochemical difference between asparagine and serine.

NM_001006658.3(CR2):c.1868A>G (p.Asn623Ser)

Gene: CR2 (complement C3d receptor 2; plus strand). Cytogenetic location: 1q32.2.
Variant type: single nucleotide variant.
Coding change: c.1868A>G on transcript NM_001006658.3 (MANE Select); coding-DNA position 1868, A replaced by G.
Protein change: p.Asn623Ser; replaces asparagine 623 with serine.
Molecular consequence: missense variant.
Genome position (GRCh38, 1-based): chr1:207,473,069, A>G. VCF-style: chr1-207473069-A-G. GRCh37 (hg19) VCF-style: chr1-207646414-A-G.
Other names: c.1868A>G, p.Asn623Ser (NM_001877.5); short protein forms N623S.
Identifiers: ClinVar variation 1362523 (VCV001362523.8), dbSNP rs2102306009, ClinGen allele CA344534931.